The following is an entry in ClinVar:

NM_000095.3(COMP):c.688C>T (p.Pro230Ser)

Gene: COMP (cartilage oligomeric matrix protein; minus strand). Cytogenetic location: 19p13.11.
Variant type: single nucleotide variant.
Coding change: c.688C>T on transcript NM_000095.3 (MANE Select); coding-DNA position 688, C replaced by T.
Protein change: p.Pro230Ser; replaces proline 230 with serine.
Molecular consequence: missense variant.
Genome position (GRCh38, 1-based): chr19:18,788,666, G>A on the plus strand (C>T on the coding strand, the complement: COMP is on the minus strand). VCF-style: chr19-18788666-G-A. GRCh37 (hg19) VCF-style: chr19-18899475-G-A.
Other names: short protein forms P230S.
Identifiers: ClinVar variation 2879828 (VCV002879828.3), dbSNP rs1387666382, ClinGen allele CA404893883.

ClinVar aggregate classification (germline): Uncertain significance (1 of 4 stars; one submission).

Allele frequency attached by ClinVar (database versions not stated): gnomAD exomes below 0.00001.

Submission:

Labcorp Genetics (formerly Invitae), Labcorp
Classification: Uncertain significance. Last evaluated: 2023-08-02. Review status: criteria provided, single submitter. Criteria: Invitae Variant Classification Sherloc (09022015). Collection method: clinical testing. Allele origin: germline.
Comment: Advanced modeling of protein sequence and biophysical properties (such as structural, functional, and spatial information, amino acid conservation, physicochemical variation, residue mobility, and thermodynamic stability) has been performed at Invitae for this missense variant, however the output from this modeling did not meet the statistical confidence thresholds required to predict the impact of this variant on COMP protein function. This variant has not been reported in the literature in individuals affected with COMP-related conditions. This variant is present in population databases (no rsID available, gnomAD 0.002%). This sequence change replaces proline, which is neutral and non-polar, with serine, which is neutral and polar, at codon 230 of the COMP protein (p.Pro230Ser). In summary, the available evidence is currently insufficient to determine the role of this variant in disease. Therefore, it has been classified as a Variant of Uncertain Significance.